The following is an entry in ClinVar:

ClinVar aggregate classification (germline): Conflicting classifications of pathogenicity. Review status: criteria provided, conflicting classifications (1 of 4 stars). 5 submissions from 5 submitters: Uncertain significance (2); Benign (1); Likely benign (2). Last evaluated 2026-01-27.

Conditions:
Congenital myotonia, autosomal recessive form. Also called: BECKER DISEASE; myotonia congenita, autosomal recessive; Becker Generalized Myotonia. Identifiers: Orphanet 614, MedGen C0751360, MONDO:0009715, OMIM 255700.
Congenital myotonia, autosomal dominant form (THD). Also called: Myotonia congenita autosomal dominant; THOMSEN DISEASE. Identifiers: Orphanet 614, MedGen C2936781, MONDO:0008055, OMIM 160800.
Batten-Turner congenital myopathy. Also called: Myotonia congenita; Congenital myotonia. Identifiers: Orphanet 206973, MedGen C0027127, MONDO:0100468, OMIM 255300.
Inborn genetic diseases. Identifiers: MedGen C0950123, MeSH D030342.

Allele frequency attached by ClinVar (database versions not stated): gnomAD 0.00016; TOPMed 0.00018; ExAC 0.00029; gnomAD exomes 0.00031.
gnomAD v4.1: 288 of 1,612,258 alleles (0.018%); highest among the groups gnomAD compares: Non-Finnish European, 0.011%; no homozygotes.

Submissions (5):

Labcorp Genetics (formerly Invitae), Labcorp
Classification: Likely benign for Congenital myotonia, autosomal recessive form; Congenital myotonia, autosomal dominant form. Last evaluated: 2026-01-27. Review status: criteria provided, single submitter. Criteria: Invitae Variant Classification Sherloc (09022015). Collection method: clinical testing. Allele origin: germline.

Ambry Genetics
Classification: Uncertain significance for Inborn genetic diseases. Last evaluated: 2022-04-22. Review status: criteria provided, single submitter. Criteria: Ambry Variant Classification Scheme 2023. Collection method: clinical testing. Allele origin: germline.

GeneDx
Classification: Likely benign. Last evaluated: 2020-08-03. Review status: criteria provided, single submitter. Criteria: GeneDx Variant Classification Process June 2021. Collection method: clinical testing. Allele origin: germline. Affected: yes.

Revvity Omics, Revvity
Classification: Uncertain significance. Last evaluated: 2019-12-10. Review status: criteria provided, single submitter. Criteria: ACMG Guidelines, 2015. Collection method: clinical testing. Allele origin: germline.

Illumina Laboratory Services, Illumina
Classification: Benign for Myotonia congenita. Last evaluated: 2018-01-12. Review status: criteria provided, single submitter. Criteria: ICSL Variant Classification Criteria 13 December 2019. Collection method: clinical testing. Allele origin: germline.
Comment: This variant was observed in the ICSL laboratory as part of a predisposition screen in an ostensibly healthy population. It had not been previously curated by ICSL or reported in the Human Gene Mutation Database (HGMD: prior to June 1st, 2018), and was therefore a candidate for classification through an automated scoring system. Utilizing variant allele frequency, disease prevalence and penetrance estimates, and inheritance mode, an automated score was calculated to assess if this variant is too frequent to cause the disease. Based on the score and internal cut-off values, a variant classified as benign is not then subjected to further curation. The score for this variant resulted in a classification of benign for this disease.

NM_000083.3(CLCN1):c.314G>A (p.Arg105His)

Gene: CLCN1 (chloride voltage-gated channel 1; plus strand). Cytogenetic location: 7q34.
Variant type: single nucleotide variant.
Coding change: c.314G>A on transcript NM_000083.3 (MANE Select); coding-DNA position 314, G replaced by A.
Protein change: p.Arg105His; replaces arginine 105 with histidine.
Molecular consequence: missense variant. On other transcripts: non-coding transcript variant (1).
Genome position (GRCh38, 1-based): chr7:143,320,676, G>A. VCF-style: chr7-143320676-G-A. GRCh37 (hg19) VCF-style: chr7-143017769-G-A.
Other names: short protein forms R105H.
Identifiers: ClinVar variation 359095 (VCV000359095.21), dbSNP rs756353660, ClinGen allele CA4536913.
Genomic context (GRCh38, chr7:143,320,676, plus strand): 5'-TGTTTGTTTGTTGTTTGTTTGTTTGTTTTTTCCCTCATCTCTTCCTAGATTGTATCCACC[G>A]CCTGGGACAGGTGGTGAGAAGAAAATTAGGGGAAGACGGGATCTTTCTGGTGCTTCTGGG-3'
Protein context (NP_000074.3, residues 95-115): HYSKCQDCIH[Arg105His]LGQVVRRKLG